The following is an entry in ClinVar:

ClinVar aggregate classification (germline): Pathogenic (3 of 4 stars; one submission).

Conditions:
Breast-ovarian cancer, familial, susceptibility to, 2 (BROVCA2). Also called: BRCA2 Hereditary Breast and Ovarian Cancer. Identifiers: Orphanet 145, MedGen C2675520, MONDO:0012933, OMIM 612555. Disease mechanism: loss of function.

Submission:

Evidence-based Network for the Interpretation of Germline Mutant Alleles (ENIGMA)
Classification: Pathogenic for Breast-ovarian cancer, familial, susceptibility to, 2. Last evaluated: 2017-12-15. Review status: reviewed by expert panel. Criteria: ENIGMA BRCA1/2 Classification Criteria (2017-06-29). Collection method: curation. Allele origin: germline. Study: ENIGMA.
Comment: Variant allele predicted to encode a truncated non-functional protein.

NM_000059.4(BRCA2):c.7734_7739delAATACAinsCTGATGGTG

Gene: BRCA2 (BRCA2 DNA repair associated; plus strand). Cytogenetic location: 13q13.1.
Variant type: Indel.
Coding change: c.7734_7739delAATACAinsCTGATGGTG on transcript NM_000059.4; coding-DNA positions 7734 to 7739, 6 bases deleted.
Genome position: GRCh38 VCF-style: chr13-32357858-AATACA-CTGATGGTG. GRCh37 (hg19) VCF-style: chr13-32931995-AATACA-CTGATGGTG.
Other names: c.7734_7739delinsCTGATGGTG, p.Ile2579_Gln2580delinsTer (LRG_293t1).
Identifiers: ClinVar variation 548396 (VCV000548396.3), dbSNP rs1555286434, ClinGen allele CA658823755.